The following is an entry in ClinVar:

ClinVar aggregate classification (germline): Uncertain significance (1 of 4 stars; one submission).

Conditions:
SH2B1-related disorder. Also called: SH2B1-related condition.

Submission:

PreventionGenetics, part of Exact Sciences
Classification: Uncertain significance for SH2B1-related condition. Last evaluated: 2025-12-23. Review status: criteria provided, single submitter. Criteria: ACMG Guidelines, 2015. Collection method: clinical testing. Allele origin: germline.
Comment: The SH2B1 c.466C>T variant is predicted to result in the amino acid substitution p.Arg156Cys. To our knowledge, this variant has not been reported in the literature. This variant is reported in 0.0099% of alleles in individuals of Ashkenazi Jewish descent in gnomAD. At this time, the clinical significance of this variant is uncertain due to the absence of conclusive functional and genetic evidence.

NM_001387430.1(SH2B1):c.466C>T (p.Arg156Cys)

Gene: SH2B1 (SH2B adaptor protein 1; plus strand). Cytogenetic location: 16p11.2.
Variant type: single nucleotide variant.
Coding change: c.466C>T on transcript NM_001387430.1 (MANE Select); coding-DNA position 466, C replaced by T.
Protein change: p.Arg156Cys; replaces arginine 156 with cysteine.
Molecular consequence: missense variant. On other transcripts: intron variant (1).
Genome position (GRCh38, 1-based): chr16:28,866,560, C>T. VCF-style: chr16-28866560-C-T. GRCh37 (hg19) VCF-style: chr16-28877881-C-T.
Other names: c.466C>T, p.Arg156Cys (NM_001145795.2, NM_001145796.2, NM_001145797.2 and 4 more transcripts); c.-26-814C>T (NM_001308294.2); short protein forms R156C.
Identifiers: ClinVar variation 4987062 (VCV004987062.1).